The following is an entry in ClinVar:

ClinVar aggregate classification (germline): Conflicting classifications of pathogenicity. Review status: criteria provided, conflicting classifications (1 of 4 stars). 2 submissions from 2 submitters: Uncertain significance (1); Likely benign (1). Last evaluated 2025-02-01.

Conditions:
Pitt-Hopkins-like syndrome 2 (PTHSL2). Identifiers: Orphanet 221150, Orphanet 600663, MedGen C3280479, MONDO:0013690, OMIM 614325.

Allele frequency attached by ClinVar (database versions not stated): gnomAD 0.00001; gnomAD exomes 0.00001.
gnomAD v4.1: 3 of 1,613,784 alleles (0.00019%); highest among the groups gnomAD compares: Admixed American, 0.005%; no homozygotes.

Submissions (2):

Labcorp Genetics (formerly Invitae), Labcorp
Classification: Uncertain significance for Pitt-Hopkins-like syndrome 2. Last evaluated: 2025-02-01. Review status: criteria provided, single submitter. Criteria: Invitae Variant Classification Sherloc (09022015). Collection method: clinical testing. Allele origin: germline.
Comment: This sequence change replaces serine, which is neutral and polar, with arginine, which is basic and polar, at codon 1415 of the NRXN1 protein (p.Ser1415Arg). This variant is present in population databases (no rsID available, gnomAD 0.006%). This variant has not been reported in the literature in individuals affected with NRXN1-related conditions. ClinVar contains an entry for this variant (Variation ID: 1216940). Invitae Evidence Modeling of protein sequence and biophysical properties (such as structural, functional, and spatial information, amino acid conservation, physicochemical variation, residue mobility, and thermodynamic stability) indicates that this missense variant is not expected to disrupt NRXN1 protein function with a negative predictive value of 80%. In summary, the available evidence is currently insufficient to determine the role of this variant in disease. Therefore, it has been classified as a Variant of Uncertain Significance.

GeneDx
Classification: Likely benign. Last evaluated: 2019-04-26. Review status: criteria provided, single submitter. Criteria: GeneDx Variant Classification Process June 2021. Collection method: clinical testing. Allele origin: germline. Affected: yes.

NM_001330078.2(NRXN1):c.4125C>G (p.Ser1375Arg)

Gene: NRXN1 (neurexin 1; minus strand). Cytogenetic location: 2p16.3.
Variant type: single nucleotide variant.
Coding change: c.4125C>G on transcript NM_001330078.2 (MANE Select); coding-DNA position 4125, C replaced by G.
Protein change: p.Ser1375Arg; replaces serine 1375 with arginine.
Molecular consequence: missense variant.
Genome position (GRCh38, 1-based): chr2:50,053,274, G>C on the plus strand (C>G on the coding strand, the complement: NRXN1 is on the minus strand). VCF-style: chr2-50053274-G-C. GRCh37 (hg19) VCF-style: chr2-50280412-G-C.
Other names: c.4245C>G, p.Ser1415Arg (NM_001135659.3); c.4101C>G, p.Ser1367Arg (NM_001330077.2, NM_001330082.2); c.3969C>G, p.Ser1323Arg (NM_001330083.2); c.4059C>G, p.Ser1353Arg (NM_001330084.2); c.4098C>G, p.Ser1366Arg (NM_001330085.2); c.4125C>G, p.Ser1375Arg (NM_001330086.2); c.3924C>G, p.Ser1308Arg (NM_001330087.2, NM_001330096.2); c.3954C>G, p.Ser1318Arg (NM_001330088.2); and 6 more; short protein forms S1308R, S1318R, S1323R, S1328R, S1345R, S1353R, S1366R, S1367R.
Identifiers: ClinVar variation 1216940 (VCV001216940.8), dbSNP rs1039999157, ClinGen allele CA47835450.